The following is an entry in ClinVar:

ClinVar aggregate classification (germline): Benign. Review status: criteria provided, multiple submitters, no conflicts (2 of 4 stars). 5 submissions from 5 submitters: Benign (4). 1 of the submissions does not count toward it. Last evaluated 2026-02-04.

Conditions:
SLC16A1-related disorder. Also called: SLC16A1-related disorders; SLC16A1-related condition.

Submissions (5):

Labcorp Genetics (formerly Invitae), Labcorp
Classification: Benign. Last evaluated: 2026-02-04. Review status: criteria provided, single submitter. Criteria: Invitae Variant Classification Sherloc (09022015). Collection method: clinical testing. Allele origin: germline.

Blueprint Genetics
Classification: Benign. Last evaluated: 2024-11-26. Review status: criteria provided, single submitter. Criteria: ACMG Guidelines, 2015. Collection method: clinical testing. Allele origin: germline.

Mayo Clinic Laboratories, Mayo Clinic
Classification: Benign. Last evaluated: 2022-03-10. Review status: criteria provided, single submitter. Criteria: ACMG Guidelines, 2015. Collection method: clinical testing. Allele origin: germline. Observed: 156 variant alleles.

GeneDx
Classification: Benign. Last evaluated: 2021-06-09. Review status: criteria provided, single submitter. Criteria: GeneDx Variant Classification Process June 2021. Collection method: clinical testing. Allele origin: germline. Affected: yes.

PreventionGenetics, part of Exact Sciences
Classification: Benign for SLC16A1-related condition. Last evaluated: 2021-06-18. Review status: no assertion criteria provided. Collection method: clinical testing. Allele origin: germline. Not counted in ClinVar's aggregate classification.
Comment: This variant is classified as benign based on ACMG/AMP sequence variant interpretation guidelines (Richards et al. 2015 PMID: 25741868, with internal and published modifications).

NM_003051.4(SLC16A1):c.362-58TATT[11]

Gene: SLC16A1 (solute carrier family 16 member 1; minus strand). Cytogenetic location: 1p13.2.
Variant type: Microsatellite.
Coding change: c.362-58TATT[11] on transcript NM_003051.4 (MANE Select); 11 copies in a row of the 4-base unit TATT starting at c.362-58; the reference has 12 copies in a row; one copy, 4 bases deleted.
Molecular consequence: intron variant.
Genome position (GRCh38, 1-based): chr1:112,918,055-112,918,058, AATA deleted on the plus strand (TATT on the coding strand, the reverse complement: SLC16A1 is on the minus strand); deleting any 4 consecutive bases within chr1:112,918,055-112,918,103 gives the same sequence; the position shown is the placement nearest the transcript's 3' end. VCF-style (leftmost placement, unchanged base first): chr1-112918054-CAATA-C. GRCh37 (hg19) VCF-style: chr1-113460676-CAATA-C.
Other names: p.?; c.362-58TATT[11] (NM_001166496.2); c.362-14_362-11del (NM_003051.3).
Identifiers: ClinVar variation 291868 (VCV000291868.20), dbSNP rs149491709, ClinGen allele CA1011432.